The following is an entry in ClinVar:

ClinVar aggregate classification (germline): Uncertain significance. Review status: criteria provided, multiple submitters, no conflicts (2 of 4 stars). 3 submissions from 3 submitters: Uncertain significance (3). Last evaluated 2024-05-03.

Conditions:
Combined oxidative phosphorylation deficiency 44. Also called: FASTKD2-Related Combined Oxidative Phosphorylation Deficiency. Identifiers: MedGen C5394293, MONDO:0030020, OMIM 618855.

Allele frequency attached by ClinVar (database versions not stated): TOPMed 0.00017; gnomAD 0.00018 and 0.00017; gnomAD exomes 0.00009 and 0.00010; ExAC 0.00012; ESP Exome Variant Server 0.00015.
gnomAD v4.1: 153 of 1,613,900 alleles (0.0095%); highest among the groups gnomAD compares: Admixed American, 0.052%; 1 homozygote.

Submissions (3):

Fulgent Genetics
Classification: Uncertain significance for Combined oxidative phosphorylation deficiency 44. Last evaluated: 2024-05-03. Review status: criteria provided, single submitter. Criteria: ACMG Guidelines, 2015. Collection method: clinical testing. Allele origin: germline.

GeneDx
Classification: Uncertain significance. Last evaluated: 2019-04-08. Review status: criteria provided, single submitter. Criteria: GeneDx Variant Classification Process June 2021. Collection method: clinical testing. Allele origin: germline. Affected: yes.
Comment: Identified in the compound heterozygous state with another FASKD2 variant in a patient with myopathy in published literature (Nogueira et al., 2019); Not observed at a significant frequency in large population cohorts (Lek et al., 2016); In silico analysis, which includes protein predictors and evolutionary conservation, supports that this variant does not alter protein structure/function; This variant is associated with the following publications: (PMID: 30831263)

Center for Pediatric Genomic Medicine, Children's Mercy Hospital and Clinics
Classification: Uncertain significance. Last evaluated: 2016-07-12. Review status: criteria provided, single submitter. Criteria: ACMG Guidelines, 2015. Collection method: clinical testing. Allele origin: germline.
ClinVar note: Converted during submission from Uncertain Significance to Uncertain significance.

NM_001136193.2(FASTKD2):c.356C>T (p.Ser119Phe)

Gene: FASTKD2 (FAST kinase domains 2; plus strand). Cytogenetic location: 2q33.3.
Variant type: single nucleotide variant.
Coding change: c.356C>T on transcript NM_001136193.2 (MANE Select); coding-DNA position 356, C replaced by T.
Protein change: p.Ser119Phe; replaces serine 119 with phenylalanine.
Molecular consequence: missense variant.
Genome position (GRCh38, 1-based): chr2:206,767,049, C>T. VCF-style: chr2-206767049-C-T. GRCh37 (hg19) VCF-style: chr2-207631773-C-T.
Other names: c.356C>T, p.Ser119Phe (NM_001136194.2, NM_014929.4); short protein forms S119F.
Identifiers: ClinVar variation 377353 (VCV000377353.6), dbSNP rs149250098, ClinGen allele CA2074871.